The following is an entry in ClinVar:

NM_031471.6(FERMT3):c.992A>C (p.Glu331Ala)

Gene: FERMT3 (FERM domain containing kindlin 3; plus strand). Cytogenetic location: 11q13.1.
Variant type: single nucleotide variant.
Coding change: c.992A>C on transcript NM_031471.6 (MANE Select); coding-DNA position 992, A replaced by C.
Protein change: p.Glu331Ala; replaces glutamic acid 331 with alanine.
Molecular consequence: missense variant.
Genome position (GRCh38, 1-based): chr11:64,219,621, A>C. VCF-style: chr11-64219621-A-C. GRCh37 (hg19) VCF-style: chr11-63987093-A-C.
Other names: c.992A>C, p.Glu331Ala (NM_001382361.1, NM_001382362.1, NM_001382448.1 and 1 more transcripts); c.452A>C, p.Glu151Ala (NM_001382363.1, NM_001382364.1); short protein forms E331A, E151A.
Identifiers: ClinVar variation 655163 (VCV000655163.6), dbSNP rs1591038431, ClinGen allele CA381085504.

ClinVar aggregate classification (germline): Uncertain significance (1 of 4 stars; one submission).

Conditions:
Leukocyte adhesion deficiency 3. Also called: INTEGRIN ACTIVATION DEFICIENCY DISEASE; LEUKOCYTE ADHESION DEFICIENCY 1 VARIANT; Leukocyte adhesion deficiency, type III. Identifiers: Orphanet 2968, Orphanet 99844, MedGen C2748536, MONDO:0013016, OMIM 612840.

Allele frequency attached by ClinVar (database versions not stated): gnomAD exomes below 0.00001.
gnomAD v4.1: 3 of 1,613,078 alleles (0.00019%); highest among the groups gnomAD compares: Admixed American, 0.0017%; no homozygotes.

Submission:

Labcorp Genetics (formerly Invitae), Labcorp
Classification: Uncertain significance for Leukocyte adhesion deficiency 3. Last evaluated: 2022-10-24. Review status: criteria provided, single submitter. Criteria: Invitae Variant Classification Sherloc (09022015). Collection method: clinical testing. Allele origin: germline.
Comment: Advanced modeling of protein sequence and biophysical properties (such as structural, functional, and spatial information, amino acid conservation, physicochemical variation, residue mobility, and thermodynamic stability) has been performed at Invitae for this missense variant, however the output from this modeling did not meet the statistical confidence thresholds required to predict the impact of this variant on FERMT3 protein function. In summary, the available evidence is currently insufficient to determine the role of this variant in disease. Therefore, it has been classified as a Variant of Uncertain Significance. ClinVar contains an entry for this variant (Variation ID: 655163). This variant has not been reported in the literature in individuals affected with FERMT3-related conditions. This variant is not present in population databases (gnomAD no frequency). This sequence change replaces glutamic acid, which is acidic and polar, with alanine, which is neutral and non-polar, at codon 331 of the FERMT3 protein (p.Glu331Ala).